The following is an entry in ClinVar:

NM_004281.4(BAG3):c.223del (p.Arg75fs)

Gene: BAG3 (BAG cochaperone 3; plus strand). Cytogenetic location: 10q26.11.
Variant type: Deletion.
Coding change: c.223del on transcript NM_004281.4 (MANE Select); coding-DNA position 223, one base deleted (A; older notation c.223delA).
Protein change: p.Arg75fs; shifts the reading frame from arginine 75.
Molecular consequence: frameshift variant.
Genome position (GRCh38, 1-based): chr10:119,669,893, A deleted. VCF-style (leftmost placement, unchanged base first): chr10-119669892-TA-T. GRCh37 (hg19) VCF-style: chr10-121429404-TA-T.
Other names: short protein forms R75fs.
Identifiers: ClinVar variation 2453001 (VCV002453001.2), dbSNP rs2494009026, ClinGen allele CA2580082414.

ClinVar aggregate classification (germline): Pathogenic (1 of 4 stars; one submission).

Conditions:
Cardiovascular phenotype. Identifiers: MedGen CN230736.

Submission:

Ambry Genetics
Classification: Pathogenic for Cardiovascular phenotype. Last evaluated: 2022-12-22. Review status: criteria provided, single submitter. Criteria: Ambry Variant Classification Scheme 2023. Collection method: clinical testing. Allele origin: germline.
Comment: The c.223delA pathogenic mutation, located in coding exon 2 of the BAG3 gene, results from a deletion of one nucleotide at nucleotide position 223, causing a translational frameshift with a predicted alternate stop codon (p.R75Gfs*136). This variant is considered to be rare based on population cohorts in the Genome Aggregation Database (gnomAD). In addition, this alteration is expected to result in loss of function by premature protein truncation or nonsense-mediated mRNA decay. As such, this alteration is interpreted as a disease-causing mutation.